The following is an entry in ClinVar:

ClinVar aggregate classification (germline): Uncertain significance (1 of 4 stars; one submission).

Submission:

GeneDx
Classification: Uncertain significance. Last evaluated: 2022-11-10. Review status: criteria provided, single submitter. Criteria: GeneDx Variant Classification Process June 2021. Collection method: clinical testing. Allele origin: germline. Affected: yes.
Comment: Not observed at significant frequency in large population cohorts (gnomAD); In silico analysis supports that this missense variant does not alter protein structure/function; Has not been previously published as pathogenic or benign to our knowledge.

NM_020754.4(ARHGAP31):c.2713G>C (p.Val905Leu)

Gene: ARHGAP31 (Rho GTPase activating protein 31; plus strand). Cytogenetic location: 3q13.33.
Variant type: single nucleotide variant.
Coding change: c.2713G>C on transcript NM_020754.4 (MANE Select); coding-DNA position 2713, G replaced by C.
Protein change: p.Val905Leu; replaces valine 905 with leucine.
Molecular consequence: missense variant.
Genome position (GRCh38, 1-based): chr3:119,414,642, G>C. VCF-style: chr3-119414642-G-C. GRCh37 (hg19) VCF-style: chr3-119133489-G-C.
Other names: short protein forms V905L.
Identifiers: ClinVar variation 2501882 (VCV002501882.1), dbSNP rs745502206, ClinGen allele CA354052649.